The following is an entry in ClinVar:

NM_017763.6(RNF43):c.434G>A (p.Arg145Gln)

Gene: RNF43 (ring finger protein 43; minus strand). Cytogenetic location: 17q22.
Variant type: single nucleotide variant.
Coding change: c.434G>A on transcript NM_017763.6 (MANE Select); coding-DNA position 434, G replaced by A.
Protein change: p.Arg145Gln; replaces arginine 145 with glutamine.
Molecular consequence: missense variant.
Genome position (GRCh38, 1-based): chr17:58,363,542, C>T on the plus strand (G>A on the coding strand, the complement: RNF43 is on the minus strand). VCF-style: chr17-58363542-C-T. GRCh37 (hg19) VCF-style: chr17-56440903-C-T.
Other names: c.434G>A, p.Arg145Gln (NM_001305544.3); c.53G>A, p.Arg18Gln (NM_001305545.2); c.434G>A (NM_017763.4); short protein forms R145Q, R18Q.
Identifiers: ClinVar variation 1080888 (VCV001080888.40), dbSNP rs151209912, ClinGen allele CA8673433.

ClinVar aggregate classification (germline): Conflicting classifications of pathogenicity. Review status: criteria provided, conflicting classifications (1 of 4 stars). 5 submissions from 5 submitters: Uncertain significance (2); Benign (1); Likely benign (2). Last evaluated 2025-12-29.

Conditions:
Sessile serrated polyposis cancer syndrome (SSPCS). Identifiers: Orphanet 157798, MedGen C4310714, MONDO:0014919, OMIM 617108.

Allele frequency attached by ClinVar (database versions not stated): gnomAD 0.00010; TOPMed 0.00016; ESP Exome Variant Server 0.00031; ExAC 0.00035.
gnomAD v4.1: 169 of 1,612,336 alleles (0.01%); highest among the groups gnomAD compares: East Asian, 0.14%; no homozygotes.

Submissions (5):

Center for Genomic Medicine, Rigshospitalet, Copenhagen University Hospital
Classification: Uncertain significance. Last evaluated: 2025-12-29. Review status: criteria provided, single submitter. Criteria: ACMG Guidelines, 2015. Collection method: clinical testing. Allele origin: germline.

Labcorp Genetics (formerly Invitae), Labcorp
Classification: Likely benign. Last evaluated: 2025-12-21. Review status: criteria provided, single submitter. Criteria: Invitae Variant Classification Sherloc (09022015). Collection method: clinical testing. Allele origin: germline.

Ambry Genetics
Classification: Benign. Last evaluated: 2024-06-28. Review status: criteria provided, single submitter. Criteria: Ambry Variant Classification Scheme 2023. Collection method: clinical testing. Allele origin: germline.

Department of Pathology and Laboratory Medicine, Sinai Health System
Classification: Uncertain significance for Sessile serrated polyposis cancer syndrome. Last evaluated: 2023-10-11. Review status: criteria provided, single submitter. Criteria: ACMG Guidelines, 2015. Collection method: clinical testing. Allele origin: germline. Affected: no.

CeGaT Center for Human Genetics Tuebingen
Classification: Likely benign. Last evaluated: 2022-09-01. Review status: criteria provided, single submitter. Criteria: CeGaT Center For Human Genetics Tuebingen Variant Classification Criteria Version 2. Collection method: clinical testing. Allele origin: germline. Affected: yes. Observed: 1 variant allele.
Comment: RNF43: BP4, BS1:Supporting